The following is an entry in ClinVar:

ClinVar aggregate classification (germline): Uncertain significance (1 of 4 stars; one submission).

Conditions:
Progressive myoclonic epilepsy type 5. Identifiers: Orphanet 402082, MedGen C5190799.

Submission:

Labcorp Genetics (formerly Invitae), Labcorp
Classification: Uncertain significance for Progressive myoclonic epilepsy type 5. Last evaluated: 2023-08-17. Review status: criteria provided, single submitter. Criteria: Invitae Variant Classification Sherloc (09022015). Collection method: clinical testing. Allele origin: germline.
Comment: In summary, the available evidence is currently insufficient to determine the role of this variant in disease. Therefore, it has been classified as a Variant of Uncertain Significance. Advanced modeling of protein sequence and biophysical properties (such as structural, functional, and spatial information, amino acid conservation, physicochemical variation, residue mobility, and thermodynamic stability) performed at Invitae indicates that this missense variant is not expected to disrupt PRICKLE2 protein function. ClinVar contains an entry for this variant (Variation ID: 855067). This variant has not been reported in the literature in individuals affected with PRICKLE2-related conditions. This variant is not present in population databases (gnomAD no frequency). This sequence change replaces leucine, which is neutral and non-polar, with proline, which is neutral and non-polar, at codon 103 of the PRICKLE2 protein (p.Leu103Pro).

NM_198859.4(PRICKLE2):c.308T>C (p.Leu103Pro)

Gene: PRICKLE2 (prickle planar cell polarity protein 2; minus strand). Cytogenetic location: 3p14.1.
Variant type: single nucleotide variant.
Coding change: c.308T>C on transcript NM_198859.4 (MANE Select); coding-DNA position 308, T replaced by C.
Protein change: p.Leu103Pro; replaces leucine 103 with proline.
Molecular consequence: missense variant.
Genome position (GRCh38, 1-based): chr3:64,160,028, A>G on the plus strand (T>C on the coding strand, the complement: PRICKLE2 is on the minus strand). VCF-style: chr3-64160028-A-G. GRCh37 (hg19) VCF-style: chr3-64145704-A-G.
Other names: c.308T>C, p.Leu103Pro (NM_001370528.1); short protein forms L103P.
Identifiers: ClinVar variation 855067 (VCV000855067.7), dbSNP rs2077706388, ClinGen allele CA353435563.
Genomic context (GRCh38, chr3:64,160,028, plus strand): 5'-ACTGGGAAAGGCCTGACATTCCCGCGGCCCAAGTTTTCGCGTTTCCTCTGGCTGCTGAAA[A>G]GCTTCAGCTCCCTCTTCTCTTCCTCATCCAGGGAGTTGCAATATCGAACCTGAATAGACA-3'
Protein context (NP_942559.1, residues 93-113): LDEEEKRELK[Leu103Pro]FSSQRKRENL